The following is an entry in ClinVar:

ClinVar aggregate classification (germline): Uncertain significance (1 of 4 stars; one submission).

Conditions:
Cerebral cavernous malformation 2. Also called: Familial Cerebral Cavernous Malformation 2. Identifiers: Orphanet 221061, MedGen C1864041, MONDO:0011304, OMIM 603284.

Submission:

Labcorp Genetics (formerly Invitae), Labcorp
Classification: Uncertain significance for Cerebral cavernous malformation 2. Last evaluated: 2023-07-17. Review status: criteria provided, single submitter. Criteria: Invitae Variant Classification Sherloc (09022015). Collection method: clinical testing. Allele origin: germline.
Comment: In summary, the available evidence is currently insufficient to determine the role of this variant in disease. Therefore, it has been classified as a Variant of Uncertain Significance. An algorithm developed to predict the effect of missense changes on protein structure and function (PolyPhen-2) suggests that this variant is likely to be tolerated. ClinVar contains an entry for this variant (Variation ID: 1510775). This variant has not been reported in the literature in individuals affected with CCM2-related conditions. This variant is not present in population databases (gnomAD no frequency). This sequence change replaces cysteine, which is neutral and slightly polar, with phenylalanine, which is neutral and non-polar, at codon 269 of the CCM2 protein (p.Cys269Phe).

NM_031443.4(CCM2):c.806G>T (p.Cys269Phe)

Gene: CCM2 (CCM2 scaffold protein; plus strand). Cytogenetic location: 7p13.
Variant type: single nucleotide variant.
Coding change: c.806G>T on transcript NM_031443.4 (MANE Select); coding-DNA position 806, G replaced by T.
Protein change: p.Cys269Phe; replaces cysteine 269 with phenylalanine.
Molecular consequence: missense variant. On other transcripts: non-coding transcript variant (1).
Genome position (GRCh38, 1-based): chr7:45,073,462, G>T. VCF-style: chr7-45073462-G-T. GRCh37 (hg19) VCF-style: chr7-45113061-G-T.
Other names: c.869G>T, p.Cys290Phe (NM_001029835.2); c.632G>T, p.Cys211Phe (NM_001167934.2); c.533G>T, p.Cys178Phe (NM_001167935.2); c.929G>T, p.Cys310Phe (NM_001363458.2); c.755G>T, p.Cys252Phe (NM_001363459.2); short protein forms C290F, C310F, C178F, C252F, C269F, C211F.
Identifiers: ClinVar variation 1510775 (VCV001510775.8), dbSNP rs2128752334, ClinGen allele CA367430945.